The following is an entry in ClinVar:

NM_000302.4(PLOD1):c.302+83G>A

Gene: PLOD1 (procollagen-lysine,2-oxoglutarate 5-dioxygenase 1; plus strand). Cytogenetic location: 1p36.22.
Variant type: single nucleotide variant.
Coding change: c.302+83G>A on transcript NM_000302.4 (MANE Select); 83 bases into the intron after coding-DNA position 302, G replaced by A.
Molecular consequence: intron variant.
Genome position (GRCh38, 1-based): chr1:11,949,989, G>A. VCF-style: chr1-11949989-G-A. GRCh37 (hg19) VCF-style: chr1-12010046-G-A.
Other names: c.443+83G>A (NM_001316320.2).
Identifiers: ClinVar variation 678586 (VCV000678586.2), dbSNP rs41278622, ClinGen allele CA10660112.

ClinVar aggregate classification (germline): Benign. Review status: criteria provided, multiple submitters, no conflicts (2 of 4 stars). 2 submissions from 2 submitters: Benign (2). Last evaluated 2018-06-14.

Allele frequency attached by ClinVar (database versions not stated): gnomAD 0.06846 and 0.06900; TOPMed 0.06866; 1000 Genomes Project 30x 0.07355; 1000 Genomes Project 0.07568; gnomAD exomes 0.07944.
gnomAD v4.1: 108,247 of 1,381,636 alleles (7.8%); highest among the groups gnomAD compares: East Asian, 9.7%; 4,382 homozygotes.

Submissions (2):

GeneDx
Classification: Benign. Last evaluated: 2018-06-14. Review status: criteria provided, single submitter. Criteria: GeneDx Variant Classification (06012015). Collection method: clinical testing. Allele origin: germline. Affected: yes.
Comment: This variant is considered likely benign or benign based on one or more of the following criteria: it is a conservative change, it occurs at a poorly conserved position in the protein, it is predicted to be benign by multiple in silico algorithms, and/or has population frequency not consistent with disease.

Breakthrough Genomics
Classification: Benign. Review status: criteria provided, single submitter. Criteria: ACMG Guidelines, 2015. Collection method: not provided. Allele origin: germline. Inheritance: Autosomal recessive inheritance. Affected: yes.